The following is an entry in ClinVar:

NM_000038.6(APC):c.7041G>A (p.Arg2347=)

Gene: APC (APC regulator of Wnt signaling pathway; plus strand). Cytogenetic location: 5q22.2.
Variant type: single nucleotide variant.
Coding change: c.7041G>A on transcript NM_000038.6 (MANE Select); coding-DNA position 7041, G replaced by A.
Protein change: p.Arg2347=; no amino-acid change (arginine 2347 retained).
Molecular consequence: synonymous variant.
Genome position (GRCh38, 1-based): chr5:112,842,635, G>A. VCF-style: chr5-112842635-G-A. GRCh37 (hg19) VCF-style: chr5-112178332-G-A.
Other names: c.7041G>A, p.Arg2347= (NM_001127510.3, NM_001354895.2); c.6987G>A, p.Arg2329= (NM_001127511.3); c.7095G>A, p.Arg2365= (NM_001354896.2); c.7071G>A, p.Arg2357= (NM_001354897.2); c.6966G>A, p.Arg2322= (NM_001354898.2); c.6957G>A, p.Arg2319= (NM_001354899.2); c.6918G>A, p.Arg2306= (NM_001354900.2); c.6864G>A, p.Arg2288= (NM_001354901.2); and 5 more.
Identifiers: ClinVar variation 765357 (VCV000765357.14), dbSNP rs1202582686, ClinGen allele CA446210783.

ClinVar aggregate classification (germline): Benign/Likely benign. Review status: criteria provided, multiple submitters, no conflicts (2 of 4 stars). 4 submissions from 4 submitters: Benign (1); Likely benign (2). 1 of the submissions does not count toward it. Last evaluated 2025-11-18.

Conditions:
APC-related disorder. Also called: APC-related condition.
Familial adenomatous polyposis 1 (FAP1). Also called: FAMILIAL ADENOMATOUS POLYPOSIS 1, ATTENUATED; POLYPOSIS, ADENOMATOUS INTESTINAL. Identifiers: MedGen C2713442, MONDO:0021056, OMIM 175100. Disease mechanism: loss of function.
Hereditary cancer-predisposing syndrome. Also called: Tumor predisposition; Neoplastic Syndromes, Hereditary; Hereditary Cancer Syndrome; Hereditary neoplastic syndrome. Identifiers: Orphanet 140162, MedGen C0027672, MeSH D009386, MONDO:0015356.

Allele frequency attached by ClinVar (database versions not stated): TOPMed below 0.00001; gnomAD 0.00001.
gnomAD v4.1: 1 of 1,613,744 alleles (0.000062%); highest among the groups gnomAD compares: Non-Finnish European, 0.000085%; no homozygotes.

Submissions (4):

Labcorp Genetics (formerly Invitae), Labcorp
Classification: Likely benign for Familial adenomatous polyposis 1. Last evaluated: 2025-11-18. Review status: criteria provided, single submitter. Criteria: Invitae Variant Classification Sherloc (09022015). Collection method: clinical testing. Allele origin: germline.

Myriad Genetics, Inc.
Classification: Benign for Familial adenomatous polyposis 1. Last evaluated: 2024-04-08. Review status: criteria provided, single submitter. Criteria: Myriad Autosomal Dominant, Autosomal Recessive and X-Linked Classification Criteria (2023). Collection method: clinical testing. Allele origin: unknown.
Comment: This variant is considered benign. This variant is a silent/synonymous amino acid change and it is not expected to impact splicing.

Ambry Genetics
Classification: Likely benign for Hereditary cancer-predisposing syndrome. Last evaluated: 2020-03-16. Review status: criteria provided, single submitter. Criteria: Ambry Variant Classification Scheme 2023. Collection method: clinical testing. Allele origin: germline.

PreventionGenetics, part of Exact Sciences
Classification: Likely benign for APC-related condition. Last evaluated: 2023-04-11. Review status: no assertion criteria provided. Collection method: clinical testing. Allele origin: germline. Not counted in ClinVar's aggregate classification.
Comment: This variant is classified as likely benign based on ACMG/AMP sequence variant interpretation guidelines (Richards et al. 2015 PMID: 25741868, with internal and published modifications).